The following is an entry in ClinVar:

NM_000431.4(MVK):c.37A>C (p.Lys13Gln)

Gene: MVK (mevalonate kinase; plus strand). Cytogenetic location: 12q24.11.
Variant type: single nucleotide variant.
Coding change: c.37A>C on transcript NM_000431.4 (MANE Select); coding-DNA position 37, A replaced by C.
Protein change: p.Lys13Gln; replaces lysine 13 with glutamine.
Molecular consequence: missense variant.
Genome position (GRCh38, 1-based): chr12:109,574,859, A>C. VCF-style: chr12-109574859-A-C. GRCh37 (hg19) VCF-style: chr12-110012664-A-C.
Other names: c.37A>C, p.Lys13Gln (NM_001114185.3, NM_001301182.2); short protein forms K13Q.
Identifiers: ClinVar variation 882749 (VCV000882749.11), dbSNP rs104895307, ClinGen allele CA386642753.

ClinVar aggregate classification (germline): Uncertain significance. Review status: criteria provided, multiple submitters, no conflicts (2 of 4 stars). 3 submissions from 2 submitters: Uncertain significance (3). Last evaluated 2022-08-23.

Conditions:
Mevalonic aciduria (MEVA). Identifiers: Orphanet 29, MedGen C1959626, MONDO:0012481, OMIM 610377.
Hyperimmunoglobulin D with periodic fever (HIDS). Also called: Hyperimmunoglobulinemia D with periodic fever; HYPERIMMUNOGLOBULINEMIA D AND PERIODIC FEVER SYNDROME; Hyperimmunoglobulinemia D. Identifiers: Orphanet 343, MedGen C0398691, MONDO:0009849, OMIM 260920.
Porokeratosis 3, disseminated superficial actinic type (POROK3). Also called: POROKERATOSIS, DISSEMINATED SUPERFICIAL ACTINIC, 1; POROKERATOSIS 3, MULTIPLE TYPES; POROKERATOSIS 3, MIBELLI TYPE. Identifiers: MedGen C1867981, MONDO:0008293, OMIM 175900.

Submissions (3):

Labcorp Genetics (formerly Invitae), Labcorp
Classification: Uncertain significance for Mevalonic aciduria; Hyperimmunoglobulin D with periodic fever; Porokeratosis 3, disseminated superficial actinic type. Last evaluated: 2022-08-23. Review status: criteria provided, single submitter. Criteria: Invitae Variant Classification Sherloc (09022015). Collection method: clinical testing. Allele origin: germline.
Comment: This sequence change replaces lysine, which is basic and polar, with glutamine, which is neutral and polar, at codon 13 of the MVK protein (p.Lys13Gln). Advanced modeling of protein sequence and biophysical properties (such as structural, functional, and spatial information, amino acid conservation, physicochemical variation, residue mobility, and thermodynamic stability) performed at Invitae indicates that this missense variant is expected to disrupt MVK protein function. In summary, the available evidence is currently insufficient to determine the role of this variant in disease. Therefore, it has been classified as a Variant of Uncertain Significance. ClinVar contains an entry for this variant (Variation ID: 882749). This missense change has been observed in individual(s) with hyper IgD syndrome (PMID: 25677409). This variant is not present in population databases (gnomAD no frequency).

Illumina Laboratory Services, Illumina
Classification: Uncertain significance for Hyperimmunoglobulin D with periodic fever. Last evaluated: 2017-04-27. Review status: criteria provided, single submitter. Criteria: ICSL Variant Classification Criteria 13 December 2019. Collection method: clinical testing. Allele origin: germline.

Illumina Laboratory Services, Illumina
Classification: Uncertain significance for Mevalonic aciduria. Last evaluated: 2017-04-27. Review status: criteria provided, single submitter. Criteria: ICSL Variant Classification Criteria 13 December 2019. Collection method: clinical testing. Allele origin: germline.

Literature cited by the submitters: PubMed 25677409 (cited by Labcorp Genetics (formerly Invitae), Labcorp).